The following is an entry in ClinVar:

NM_001256317.3(TMPRSS3):c.515T>C (p.Ile172Thr)

Gene: TMPRSS3 (transmembrane serine protease 3; minus strand). Cytogenetic location: 21q22.3.
Variant type: single nucleotide variant.
Coding change: c.515T>C on transcript NM_001256317.3 (MANE Select); coding-DNA position 515, T replaced by C.
Protein change: p.Ile172Thr; replaces isoleucine 172 with threonine.
Molecular consequence: missense variant.
Genome position (GRCh38, 1-based): chr21:42,385,466, A>G on the plus strand (T>C on the coding strand, the complement: TMPRSS3 is on the minus strand). VCF-style: chr21-42385466-A-G. GRCh37 (hg19) VCF-style: chr21-43805575-A-G.
Other names: c.515T>C, p.Ile172Thr (NM_024022.4, NM_032405.2); c.134T>C, p.Ile45Thr (NM_032404.3); short protein forms I172T, I45T.
Identifiers: ClinVar variation 1187741 (VCV001187741.5), dbSNP rs752489902, ClinGen allele CA10042604.
Genomic context (GRCh38, chr21:42,385,466, plus strand): 5'-TACCTCACATATACTGAGTGGTGTAATGCAGTCACCTTGTCATCTGGCAAGAGGTGATCG[A>G]TGGACACAAACTCCTCCCGGAACTGCCCCTCCAGCGAGCTCACTCTGAGGTTATCTGAAC-3'
Protein context (NP_001243246.1, residues 162-182): EGQFREEFVS[Ile172Thr]DHLLPDDKVT

ClinVar aggregate classification (germline): Uncertain significance (1 of 4 stars; one submission).

Allele frequency attached by ClinVar (database versions not stated): gnomAD 0.00001; ExAC 0.00001; gnomAD exomes below 0.00001; TOPMed 0.00001.

Submission:

GeneDx
Classification: Uncertain significance. Last evaluated: 2025-01-29. Review status: criteria provided, single submitter. Criteria: GeneDx Variant Classification Process June 2021. Collection method: clinical testing. Allele origin: germline. Affected: yes.
Comment: Not observed at significant frequency in large population cohorts (gnomAD); In silico analysis indicates that this missense variant does not alter protein structure/function; Has not been previously published as pathogenic or benign to our knowledge